The following is an entry in ClinVar:

ClinVar aggregate classification (germline): Pathogenic (1 of 4 stars; one submission).

Conditions:
Beckwith-Wiedemann syndrome (BWS). Also called: Exomphalos macroglossia gigantism syndrome; EMG SYNDROME. Identifiers: Orphanet 116, MedGen C0004903, MONDO:0007534, OMIM 130650.

Submission:

Labcorp Genetics (formerly Invitae), Labcorp
Classification: Pathogenic for Beckwith-Wiedemann syndrome. Last evaluated: 2019-06-17. Review status: criteria provided, single submitter. Criteria: Invitae Variant Classification Sherloc (09022015). Collection method: clinical testing. Allele origin: germline.
Comment: For these reasons, this variant has been classified as Pathogenic. Loss-of-function variants in CDKN1C are known to be pathogenic (PMID: 20503313). This variant has not been reported in the literature in individuals with CDKN1C-related conditions. This variant is not present in population databases (ExAC no frequency). This sequence change creates a premature translational stop signal (p.Glu40*) in the CDKN1C gene. It is expected to result in an absent or disrupted protein product.

Literature cited by the submitters: PubMed 20503313.

NM_001122630.2(CDKN1C):c.85G>T (p.Glu29Ter)

Gene: CDKN1C (cyclin dependent kinase inhibitor 1C; minus strand). Cytogenetic location: 11p15.4.
Variant type: single nucleotide variant.
Coding change: c.85G>T on transcript NM_001122630.2 (MANE Select); coding-DNA position 85, G replaced by T.
Protein change: p.Glu29Ter; replaces glutamic acid 29 with a stop codon.
Molecular consequence: nonsense.
Genome position (GRCh38, 1-based): chr11:2,885,372, C>A on the plus strand (G>T on the coding strand, the complement: CDKN1C is on the minus strand). VCF-style: chr11-2885372-C-A. GRCh37 (hg19) VCF-style: chr11-2906602-C-A.
Other names: c.118G>T, p.Glu40Ter (NM_000076.2, NM_001362474.2); c.85G>T, p.Glu29Ter (NM_001122631.2, NM_001362475.2); short protein forms E29*, E40*.
Identifiers: ClinVar variation 948503 (VCV000948503.7), dbSNP rs1564930723, ClinGen allele CA379147707.